The following is an entry in ClinVar:

ClinVar aggregate classification (germline): Likely benign (1 of 4 stars; one submission).

Conditions:
Congenital Muscular Dystrophy, alpha-dystroglycan related.

Allele frequency attached by ClinVar (database versions not stated): gnomAD exomes 0.00023; gnomAD 0.00310 and 0.00327; TOPMed 0.00335; 1000 Genomes Project 0.00339; 1000 Genomes Project 30x 0.00375.
gnomAD v4.1: 466 of 165,816 alleles (0.28%); highest among the groups gnomAD compares: African/African-American, 1.1%; 2 homozygotes.

Submission:

Illumina Laboratory Services, Illumina
Classification: Likely benign for Congenital Muscular Dystrophy, alpha-dystroglycan related. Last evaluated: 2018-01-13. Review status: criteria provided, single submitter. Criteria: ICSL Variant Classification Criteria 13 December 2019. Collection method: clinical testing. Allele origin: germline.
Comment: This variant was observed in the ICSL laboratory as part of a predisposition screen in an ostensibly healthy population. It had not been previously curated by ICSL or reported in the Human Gene Mutation Database (HGMD: prior to June 1st, 2018), and was therefore a candidate for classification through an automated scoring system. Utilizing variant allele frequency, disease prevalence and penetrance estimates, and inheritance mode, an automated score was calculated to assess if this variant is too frequent to cause the disease. Based on the score and internal cut-off values, a variant classified as likely benign is not then subjected to further curation. The score for this variant resulted in a classification of likely benign for this disease.

NM_001101426.4(CRPPA):c.*1855G>C

Gene: CRPPA (CDP-L-ribitol pyrophosphorylase A; minus strand). Cytogenetic location: 7p21.2.
Variant type: single nucleotide variant.
Coding change: c.*1855G>C on transcript NM_001101426.4 (MANE Select); 1855 bases downstream of the stop codon, G replaced by C.
Molecular consequence: 3 prime UTR variant. On other transcripts: non-coding transcript variant (1).
Genome position (GRCh38, 1-based): chr7:16,089,840, C>G on the plus strand (G>C on the coding strand, the complement: CRPPA is on the minus strand). VCF-style: chr7-16089840-C-G. GRCh37 (hg19) VCF-style: chr7-16129465-C-G.
Other names: c.*1855G>C (NM_001101417.4, NM_001368197.1).
Identifiers: ClinVar variation 359552 (VCV000359552.5), dbSNP rs111577730, ClinGen allele CA10628655.
Genomic context (GRCh38, chr7:16,089,840, plus strand): 5'-GATAAATTCTTGTCTGCTGTAGGATTCCTTAAGCTGAAGTCTATGTTAACTCAGCCAGCA[C>G]TCCAGCGATCAGGGTGATTTTGCTGTGCCACAAATATGCCCAGTTTACTGCATTCTTCTT-3'